The following is an entry in ClinVar:

NM_032444.4(SLX4):c.3982G>A (p.Val1328Ile)

Gene: SLX4 (SLX4 structure-specific endonuclease subunit; minus strand). Cytogenetic location: 16p13.3.
Variant type: single nucleotide variant.
Coding change: c.3982G>A on transcript NM_032444.4 (MANE Select); coding-DNA position 3982, G replaced by A.
Protein change: p.Val1328Ile; replaces valine 1328 with isoleucine.
Molecular consequence: missense variant.
Genome position (GRCh38, 1-based): chr16:3,589,656, C>T on the plus strand (G>A on the coding strand, the complement: SLX4 is on the minus strand). VCF-style: chr16-3589656-C-T. GRCh37 (hg19) VCF-style: chr16-3639657-C-T.
Other names: short protein forms V1328I.
Identifiers: ClinVar variation 1380065 (VCV001380065.7), dbSNP rs1394177026, ClinGen allele CA394518655.
Genomic context (GRCh38, chr16:3,589,656, plus strand): 5'-GGTGGGGACGGGAAGGGCTTCTGTGGCCTTGCCTTCTGCCGTCAGAAGTTCCTGGAGAGA[C>T]GGGAGTGAGGCATGAGGACGGTGTCTGGGGCGGTGGTGTCTGGGGCCTGATGACAGAAAA-3'
Protein context (NP_115820.2, residues 1318-1338): PQTPSSCLTP[Val1328Ile]SPGTSDGRRQ

ClinVar aggregate classification (germline): Uncertain significance (1 of 4 stars; one submission).

Conditions:
Fanconi anemia (FA). Also called: Fanconi's anemia. Identifiers: Orphanet 84, MedGen C0015625, MeSH D005199, MONDO:0019391.

Allele frequency attached by ClinVar (database versions not stated): gnomAD exomes 0.00001; gnomAD 0.00002.
gnomAD v4.1: 16 of 1,613,842 alleles (0.00099%); highest among the groups gnomAD compares: African/African-American, 0.0053%; no homozygotes.

Submission:

Labcorp Genetics (formerly Invitae), Labcorp
Classification: Uncertain significance for Fanconi anemia. Last evaluated: 2022-08-23. Review status: criteria provided, single submitter. Criteria: Invitae Variant Classification Sherloc (09022015). Collection method: clinical testing. Allele origin: germline.
Comment: In summary, the available evidence is currently insufficient to determine the role of this variant in disease. Therefore, it has been classified as a Variant of Uncertain Significance. Algorithms developed to predict the effect of missense changes on protein structure and function output the following: SIFT: "Tolerated"; PolyPhen-2: "Benign"; Align-GVGD: "Class C0". The isoleucine amino acid residue is found in multiple mammalian species, which suggests that this missense change does not adversely affect protein function. ClinVar contains an entry for this variant (Variation ID: 1380065). This variant has not been reported in the literature in individuals affected with SLX4-related conditions. This variant is present in population databases (no rsID available, gnomAD 0.006%). This sequence change replaces valine, which is neutral and non-polar, with isoleucine, which is neutral and non-polar, at codon 1328 of the SLX4 protein (p.Val1328Ile).